The following is an entry in ClinVar:

NM_017514.5(PLXNA3):c.2592C>T (p.Asn864=)

Gene: PLXNA3 (plexin A3; plus strand). Cytogenetic location: Xq28.
Variant type: single nucleotide variant.
Coding change: c.2592C>T on transcript NM_017514.5 (MANE Select); coding-DNA position 2592, C replaced by T.
Protein change: p.Asn864=; no amino-acid change (asparagine 864 retained).
Molecular consequence: synonymous variant.
Genome position (GRCh38, 1-based): chrX:154,465,994, C>T. VCF-style: chrX-154465994-C-T. GRCh37 (hg19) VCF-style: chrX-153694337-C-T.
Identifiers: ClinVar variation 3355371 (VCV003355371.1).
Genomic context (GRCh38, chrX:154,465,994, plus strand): 5'-GATCCACCCTCTCGTGGGGCCCAAGGAAGGAGGCACCCGGGTCACCATCGTGGGTGAGAA[C>T]CTGGGCCTCTTGTCCCGAGAGGTGGGCCTGCGGGTGGCTGGCGTGCGTTGCAACTCCATT-3'
Protein context (NP_059984.3, residues 854-874): GGTRVTIVGE[Asn864=]LGLLSREVGL

ClinVar aggregate classification (germline): Likely benign (0 of 4 stars; one submission).

Conditions:
PLXNA3-related disorder. Also called: PLXNA3-related condition.

gnomAD v4.1: 12 of 1,209,894 alleles (0.00099%); highest among the groups gnomAD compares: Admixed American, 0.022%; no homozygotes.

Submission:

PreventionGenetics, part of Exact Sciences
Classification: Likely benign for PLXNA3-related condition. Last evaluated: 2024-08-27. Review status: no assertion criteria provided. Collection method: clinical testing. Allele origin: germline.
Comment: This variant is classified as likely benign based on ACMG/AMP sequence variant interpretation guidelines (Richards et al. 2015 PMID: 25741868, with internal and published modifications).